The following is an entry in ClinVar:

NM_130384.3(ATRIP):c.2018C>T (p.Pro673Leu)

Genes: ATRIP (ATR interacting protein; plus strand), ATRIP-TREX1 (ATRIP-TREX1 readthrough; plus strand). Cytogenetic location: 3p21.31.
Variant type: single nucleotide variant.
Coding change: c.2018C>T on transcript NM_130384.3 (MANE Select); coding-DNA position 2018, C replaced by T.
Protein change: p.Pro673Leu; replaces proline 673 with leucine.
Molecular consequence: missense variant. On other transcripts: non-coding transcript variant (1), intron variant (1).
Genome position (GRCh38, 1-based): chr3:48,464,625, C>T. VCF-style: chr3-48464625-C-T. GRCh37 (hg19) VCF-style: chr3-48506024-C-T.
Other names: c.2018C>T (NM_130384.1); c.1637C>T, p.Pro546Leu (NM_001271022.2); c.1739C>T, p.Pro580Leu (NM_001271023.2); c.1975-206C>T (NM_032166.4); short protein forms P546L, P580L, P673L.
Identifiers: ClinVar variation 1917294 (VCV001917294.6), dbSNP rs765924831, ClinGen allele CA2376356.
Genomic context (GRCh38, chr3:48,464,625, plus strand): 5'-ATCTGTTCTTGTTCTAGGTGGTGTGGCTCCTGGCTAAGCTTGGTGTGCAGAGCCCCTTGC[C>T]CCCAGTCACTGGCTCCAACTGCCAGTGTAATGTGGAGGTGAGTGGGTAGGGGCCAACAGC-3'
Protein context (NP_569055.1, residues 663-683): LAKLGVQSPL[Pro673Leu]PVTGSNCQCN

ClinVar aggregate classification (germline): Uncertain significance. Review status: criteria provided, multiple submitters, no conflicts (2 of 4 stars). 2 submissions from 2 submitters: Uncertain significance (2). Last evaluated 2024-11-17.

Allele frequency attached by ClinVar (database versions not stated): gnomAD exomes below 0.00001; ExAC 0.00001.
gnomAD v4.1: 1 of 1,614,144 alleles (0.000062%); highest among the groups gnomAD compares: Non-Finnish European, 0.000085%; no homozygotes.

Submissions (2):

Ambry Genetics
Classification: Uncertain significance. Last evaluated: 2024-11-17. Review status: criteria provided, single submitter. Criteria: Ambry Variant Classification Scheme 2023. Collection method: clinical testing. Allele origin: germline.
Comment: The p.P673L variant (also known as c.2018C>T), located in coding exon 11 of the ATRIP gene, results from a C to T substitution at nucleotide position 2018. The proline at codon 673 is replaced by leucine, an amino acid with similar properties. This amino acid position is conserved. In addition, this alteration is predicted to be tolerated by in silico analysis. Based on the available evidence, the clinical significance of this variant remains unclear.

Labcorp Genetics (formerly Invitae), Labcorp
Classification: Uncertain significance. Last evaluated: 2024-10-17. Review status: criteria provided, single submitter. Criteria: Invitae Variant Classification Sherloc (09022015). Collection method: clinical testing. Allele origin: germline.
Comment: This sequence change replaces proline, which is neutral and non-polar, with leucine, which is neutral and non-polar, at codon 673 of the ATRIP protein (p.Pro673Leu). This variant is present in population databases (rs765924831, gnomAD 0.003%). This variant has not been reported in the literature in individuals affected with ATRIP-related conditions. ClinVar contains an entry for this variant (Variation ID: 1917294). An algorithm developed to predict the effect of missense changes on protein structure and function (PolyPhen-2) suggests that this variant is likely to be tolerated. In summary, the available evidence is currently insufficient to determine the role of this variant in disease. Therefore, it has been classified as a Variant of Uncertain Significance.